The following is an entry in ClinVar:

NM_001001557.4(GDF6):c.612G>T (p.Pro204=)

Gene: GDF6 (growth differentiation factor 6; minus strand). Cytogenetic location: 8q22.1.
Variant type: single nucleotide variant.
Coding change: c.612G>T on transcript NM_001001557.4 (MANE Select); coding-DNA position 612, G replaced by T.
Protein change: p.Pro204=; no amino-acid change (proline 204 retained).
Molecular consequence: synonymous variant.
Genome position (GRCh38, 1-based): chr8:96,145,319, C>A on the plus strand (G>T on the coding strand, the complement: GDF6 is on the minus strand). VCF-style: chr8-96145319-C-A. GRCh37 (hg19) VCF-style: chr8-97157547-C-A.
Identifiers: ClinVar variation 2658700 (VCV002658700.27), dbSNP rs777541984, ClinGen allele CA4815426.
Genomic context (GRCh38, chr8:96,145,319, plus strand): 5'-CTGGTGGCGCAGGCCCTGCCACACGTCGAAGACTTCCCAGCCGGCCGGCGGCGCCCCCTG[C>A]GGGTCCAGGGTCCGCGCGTCCAGCAGTAGGGGCGAAAGGCAAGGGAAGAGCTGCACGTGG-3'
Protein context (NP_001001557.1, residues 194-214): PLLLDARTLD[Pro204=]QGAPPAGWEV

ClinVar aggregate classification (germline): Likely benign. Review status: criteria provided, multiple submitters, no conflicts (2 of 4 stars). 2 submissions from 2 submitters: Likely benign (2). Last evaluated 2024-08-23.

Conditions:
Klippel-Feil syndrome 1, autosomal dominant (KFS1). Also called: CERVICAL VERTEBRAL FUSION, AUTOSOMAL DOMINANT. Identifiers: Orphanet 2345, MedGen C1861689, MONDO:0007306, OMIM 118100.
Isolated microphthalmia 4. Identifiers: Orphanet 2542, MedGen C2751307, MONDO:0013130, OMIM 613094.
Microphthalmia, isolated, with coloboma 6 (MCOPCB6). Also called: Microphthalmia with coloboma 6, digenic; Microphthalmia with coloboma 6; MICROPHTHALMIA/COLOBOMA 6. Identifiers: Orphanet 98938, MedGen C3150968, MONDO:0013376, OMIM 613703.
Leber congenital amaurosis 17 (LCA17). Identifiers: Orphanet 65, MedGen C3715164, MONDO:0014145, OMIM 615360.

Allele frequency attached by ClinVar (database versions not stated): TOPMed below 0.00001; gnomAD 0.00001; ExAC 0.00010.
gnomAD v4.1: 14 of 1,533,394 alleles (0.00091%); highest among the groups gnomAD compares: South Asian, 0.017%; no homozygotes.

Submissions (2):

Labcorp Genetics (formerly Invitae), Labcorp
Classification: Likely benign for Isolated microphthalmia 4; Leber congenital amaurosis 17; Klippel-Feil syndrome 1, autosomal dominant; Microphthalmia, isolated, with coloboma 6. Last evaluated: 2024-08-23. Review status: criteria provided, single submitter. Criteria: Invitae Variant Classification Sherloc (09022015). Collection method: clinical testing. Allele origin: germline.

CeGaT Center for Human Genetics Tuebingen
Classification: Likely benign. Last evaluated: 2023-06-01. Review status: criteria provided, single submitter. Criteria: CeGaT Center For Human Genetics Tuebingen Variant Classification Criteria Version 2. Collection method: clinical testing. Allele origin: germline. Affected: yes. Observed: 1 variant allele.
Comment: GDF6: BP4, BP7